The following is an entry in ClinVar:

ClinVar aggregate classification (germline): Pathogenic (1 of 4 stars; one submission).

Conditions:
Retinoblastoma (RB1). Also called: RETINOBLASTOMA, SOMATIC. Identifiers: Orphanet 790, MedGen C0035335, MeSH D012175, MONDO:0008380, OMIM 180200, HP:0009919. Disease mechanism: loss of function. Inheritance: Both sporadic and heritable forms are tested..

Submission:

Labcorp Genetics (formerly Invitae), Labcorp
Classification: Pathogenic for Retinoblastoma. Last evaluated: 2023-12-31. Review status: criteria provided, single submitter. Criteria: Invitae Variant Classification Sherloc (09022015). Collection method: clinical testing. Allele origin: unknown.
Comment: This variant results in a copy number gain of the genomic region encompassing exon(s) 3 of the RB1 gene. While the exact position of this variant cannot be determined from the data, sub-genic copy number gains are generally in tandem (PMID: 25640679). This variant is predicted to be out-of-frame, and may result in an absent or disrupted protein product. Loss-of-function variants in RB1 are known to be pathogenic (PMID: 17096365). A similar copy number variant has been observed in individual(s) with retinoblastoma (PMID: 22205104; Invitae). For these reasons, this variant has been classified as Pathogenic.

Literature cited by the submitters: PubMed 25640679; PubMed 17096365; PubMed 22205104.

NC_000013.10:g.(?_48916715)_(48916870_?)dup

Gene: RB1 (RB transcriptional corepressor 1; plus strand). Cytogenetic location: 13q14.2.
Variant type: Duplication.
Identifiers: ClinVar variation 3244132 (VCV003244132.1).